The following is an entry in ClinVar:

NM_177438.3(DICER1):c.1231T>G (p.Ser411Ala)

Gene: DICER1 (dicer 1, ribonuclease III; minus strand). Cytogenetic location: 14q32.13.
Variant type: single nucleotide variant.
Coding change: c.1231T>G on transcript NM_177438.3 (MANE Select); coding-DNA position 1231, T replaced by G.
Protein change: p.Ser411Ala; replaces serine 411 with alanine.
Molecular consequence: missense variant.
Genome position (GRCh38, 1-based): chr14:95,124,341, A>C on the plus strand (T>G on the coding strand, the complement: DICER1 is on the minus strand). VCF-style: chr14-95124341-A-C. GRCh37 (hg19) VCF-style: chr14-95590678-A-C.
Other names: c.1231T>G, p.Ser411Ala (NM_001195573.1, NM_001271282.3, NM_001291628.2 and 1 more transcripts); short protein forms S411A.
Identifiers: ClinVar variation 571185 (VCV000571185.15), dbSNP rs1566802127, ClinGen allele CA390886591.
Genomic context (GRCh38, chr14:95,124,341, plus strand): 5'-CTGGCTTCTCTTTTTCTTCAATTTCTTCATCCTCATCATCATCCTCAGAATCACTCCATG[A>C]CACATAATTATCCTGATTTCTATTATTATACCACTCAACGCTTTCAAACTGCTGTCGCTC-3'
Protein context (NP_803187.1, residues 401-421): YNNRNQDNYV[Ser411Ala]WSDSEDDDED

ClinVar aggregate classification (germline): Uncertain significance. Review status: criteria provided, multiple submitters, no conflicts (2 of 4 stars). 2 submissions from 2 submitters: Uncertain significance (2). Last evaluated 2025-10-13.

Conditions:
Hereditary cancer-predisposing syndrome. Also called: Hereditary neoplastic syndrome; Neoplastic Syndromes, Hereditary; Hereditary Cancer Syndrome; Tumor predisposition. Identifiers: Orphanet 140162, MedGen C0027672, MeSH D009386, MONDO:0015356.
DICER1-related tumor predisposition. Also called: DICER1 syndrome; DICER1-related pleuropulmonary blastoma cancer predisposition syndrome. Identifiers: Orphanet 284343, MedGen C3839822, MONDO:0100216.

Allele frequency attached by ClinVar (database versions not stated): gnomAD exomes below 0.00001.
gnomAD v4.1: 2 of 1,613,890 alleles (0.00012%); highest among the groups gnomAD compares: Non-Finnish European, 0.00017%; no homozygotes.

Submissions (2):

Labcorp Genetics (formerly Invitae), Labcorp
Classification: Uncertain significance for DICER1-related tumor predisposition. Last evaluated: 2025-10-13. Review status: criteria provided, single submitter. Criteria: Invitae Variant Classification Sherloc (09022015). Collection method: clinical testing. Allele origin: germline.
Comment: This sequence change replaces serine, which is neutral and polar, with alanine, which is neutral and non-polar, at codon 411 of the DICER1 protein (p.Ser411Ala). This variant is not present in population databases (gnomAD no frequency). This variant has not been reported in the literature in individuals affected with DICER1-related conditions. ClinVar contains an entry for this variant (Variation ID: 571185). Invitae Evidence Modeling of protein sequence and biophysical properties (such as structural, functional, and spatial information, amino acid conservation, physicochemical variation, residue mobility, and thermodynamic stability) indicates that this missense variant is not expected to disrupt DICER1 protein function with a negative predictive value of 95%. In summary, the available evidence is currently insufficient to determine the role of this variant in disease. Therefore, it has been classified as a Variant of Uncertain Significance.

Ambry Genetics
Classification: Uncertain significance for Hereditary cancer-predisposing syndrome. Last evaluated: 2024-04-20. Review status: criteria provided, single submitter. Criteria: Ambry Variant Classification Scheme 2023. Collection method: clinical testing. Allele origin: germline.
Comment: The p.S411A variant (also known as c.1231T>G), located in coding exon 7 of the DICER1 gene, results from a T to G substitution at nucleotide position 1231. The serine at codon 411 is replaced by alanine, an amino acid with similar properties. This amino acid position is highly conserved in available vertebrate species. In addition, this alteration is predicted to be tolerated by in silico analysis. Since supporting evidence is limited at this time, the clinical significance of this alteration remains unclear.